The following is an entry in ClinVar:

NM_173842.3(IL1RN):c.343G>A (p.Glu115Lys)

Gene: IL1RN (interleukin 1 receptor antagonist; plus strand). Cytogenetic location: 2q14.1.
Variant type: single nucleotide variant.
Coding change: c.343G>A on transcript NM_173842.3 (MANE Select); coding-DNA position 343, G replaced by A.
Protein change: p.Glu115Lys; replaces glutamic acid 115 with lysine.
Molecular consequence: missense variant.
Genome position (GRCh38, 1-based): chr2:113,132,680, G>A. VCF-style: chr2-113132680-G-A. GRCh37 (hg19) VCF-style: chr2-113890257-G-A.
Other names: c.289G>A, p.Glu97Lys (NM_000577.5); c.241G>A, p.Glu81Lys (NM_001318914.2, NM_001379360.1, NM_173843.3); c.352G>A, p.Glu118Lys (NM_173841.3); short protein forms E115K, E118K, E81K, E97K.
Identifiers: ClinVar variation 1520575 (VCV001520575.6), dbSNP rs767854418, ClinGen allele CA1838879.

ClinVar aggregate classification (germline): Uncertain significance (1 of 4 stars; one submission).

Conditions:
Sterile multifocal osteomyelitis with periostitis and pustulosis. Also called: CHRONIC RECURRENT MULTIFOCAL OSTEOMYELITIS 2, WITH PERIOSTITIS AND PUSTULOSIS. Identifiers: Orphanet 210115, MedGen C2748507, MONDO:0013021, OMIM 612852.

Allele frequency attached by ClinVar (database versions not stated): ExAC 0.00001; gnomAD 0.00001; gnomAD exomes 0.00001; TOPMed 0.00002.
gnomAD v4.1: 9 of 1,614,088 alleles (0.00056%); highest among the groups gnomAD compares: Non-Finnish European, 0.00068%; no homozygotes.

Submission:

Labcorp Genetics (formerly Invitae), Labcorp
Classification: Uncertain significance for Sterile multifocal osteomyelitis with periostitis and pustulosis. Last evaluated: 2025-12-05. Review status: criteria provided, single submitter. Criteria: Invitae Variant Classification Sherloc (09022015). Collection method: clinical testing. Allele origin: germline.
Comment: This sequence change replaces glutamic acid, which is acidic and polar, with lysine, which is basic and polar, at codon 118 of the IL1RN protein (p.Glu118Lys). This variant is present in population databases (rs767854418, gnomAD 0.01%). This variant has not been reported in the literature in individuals affected with IL1RN-related conditions. ClinVar contains an entry for this variant (Variation ID: 1520575). An algorithm developed to predict the effect of missense changes on protein structure and function outputs the following: PolyPhen-2: "Benign". The lysine amino acid residue is found in multiple mammalian species, which suggests that this missense change does not adversely affect protein function. In summary, the available evidence is currently insufficient to determine the role of this variant in disease. Therefore, it has been classified as a Variant of Uncertain Significance.